The following is an entry in ClinVar:

ClinVar aggregate classification (germline): Uncertain significance. Review status: criteria provided, multiple submitters, no conflicts (2 of 4 stars). 2 submissions from 2 submitters: Uncertain significance (2). Last evaluated 2025-02-27.

Conditions:
Cardiovascular phenotype. Identifiers: MedGen CN230736.
Primary dilated cardiomyopathy (DCM). Also called: Dilated Cardiomyopathy. Identifiers: Orphanet 217604, MedGen C0007193, MeSH D002311, MONDO:0005021, HP:0001644. Inheritance: Various modes of inheritance.

Allele frequency attached by ClinVar (database versions not stated): gnomAD 0.00002; gnomAD exomes 0.00001; TOPMed 0.00002; ExAC 0.00001.
gnomAD v4.1: 18 of 1,609,934 alleles (0.0011%); highest among the groups gnomAD compares: African/African-American, 0.0027%; no homozygotes.

Submissions (2):

Labcorp Genetics (formerly Invitae), Labcorp
Classification: Uncertain significance for Primary dilated cardiomyopathy. Last evaluated: 2025-02-27. Review status: criteria provided, single submitter. Criteria: Invitae Variant Classification Sherloc (09022015). Collection method: clinical testing. Allele origin: germline.
Comment: This sequence change replaces valine, which is neutral and non-polar, with alanine, which is neutral and non-polar, at codon 504 of the TXNRD2 protein (p.Val504Ala). This variant is present in population databases (rs769258408, gnomAD 0.002%). This variant has not been reported in the literature in individuals affected with TXNRD2-related conditions. ClinVar contains an entry for this variant (Variation ID: 263607). Invitae Evidence Modeling of protein sequence and biophysical properties (such as structural, functional, and spatial information, amino acid conservation, physicochemical variation, residue mobility, and thermodynamic stability) indicates that this missense variant is not expected to disrupt TXNRD2 protein function with a negative predictive value of 80%. In summary, the available evidence is currently insufficient to determine the role of this variant in disease. Therefore, it has been classified as a Variant of Uncertain Significance.

Ambry Genetics
Classification: Uncertain significance for Cardiovascular phenotype. Last evaluated: 2023-09-29. Review status: criteria provided, single submitter. Criteria: Ambry Variant Classification Scheme 2023. Collection method: clinical testing. Allele origin: germline.
Comment: The p.V504A variant (also known as c.1511T>C), located in coding exon 17 of the TXNRD2 gene, results from a T to C substitution at nucleotide position 1511. The valine at codon 504 is replaced by alanine, an amino acid with similar properties. This amino acid position is highly conserved in available vertebrate species. In addition, the in silico prediction for this alteration is inconclusive. The evidence for this gene-disease relationship is limited; therefore, the clinical significance of this alteration is unclear.

NM_006440.5(TXNRD2):c.1511T>C (p.Val504Ala)

Gene: TXNRD2 (thioredoxin reductase 2; minus strand). Cytogenetic location: 22q11.21.
Variant type: single nucleotide variant.
Coding change: c.1511T>C on transcript NM_006440.5 (MANE Select); coding-DNA position 1511, T replaced by C.
Protein change: p.Val504Ala; replaces valine 504 with alanine.
Molecular consequence: missense variant. On other transcripts: non-coding transcript variant (1).
Genome position (GRCh38, 1-based): chr22:19,877,169, A>G on the plus strand (T>C on the coding strand, the complement: TXNRD2 is on the minus strand). VCF-style: chr22-19877169-A-G. GRCh37 (hg19) VCF-style: chr22-19864692-A-G.
Other names: c.1508T>C, p.Val503Ala (NM_001352300.2); c.1421T>C, p.Val474Ala (NM_001352301.2); c.1223T>C, p.Val408Ala (NM_001352302.2); short protein forms V504A, V408A, V474A, V503A.
Identifiers: ClinVar variation 263607 (VCV000263607.6), dbSNP rs769258408, ClinGen allele CA10103607.